The following is an entry in ClinVar:

NM_000368.5(TSC1):c.2903G>A (p.Arg968Lys)

Gene: TSC1 (TSC complex subunit 1; minus strand). Cytogenetic location: 9q34.13.
Variant type: single nucleotide variant.
Coding change: c.2903G>A on transcript NM_000368.5 (MANE Select); coding-DNA position 2903, G replaced by A.
Protein change: p.Arg968Lys; replaces arginine 968 with lysine.
Molecular consequence: missense variant. On other transcripts: non-coding transcript variant (5).
Genome position (GRCh38, 1-based): chr9:132,897,256, C>T on the plus strand (G>A on the coding strand, the complement: TSC1 is on the minus strand). VCF-style: chr9-132897256-C-T. GRCh37 (hg19) VCF-style: chr9-135772643-C-T.
Other names: c.2885G>A, p.Arg962Lys (NM_001406603.1, NM_001406604.1); c.2861G>A, p.Arg954Lys (NM_001406605.1, NM_001406606.1, NM_001406607.1); c.2858G>A, p.Arg953Lys (NM_001406608.1, NM_001406609.1); c.2750G>A, p.Arg917Lys (NM_001406610.1, NM_001162427.2); c.2747G>A, p.Arg916Lys (NM_001406611.1, NM_001406612.1); c.2900G>A, p.Arg967Lys (NM_001162426.2, NM_001406597.1, NM_001406598.1 and 2 more transcripts); c.2540G>A, p.Arg847Lys (NM_001362177.2, NM_001406614.1, NM_001406615.1 and 4 more transcripts); c.2903G>A, p.Arg968Lys (NM_001406592.1, NM_001406593.1, NM_001406594.1 and 2 more transcripts); and 8 more; short protein forms R651K, R832K, R847K, R917K, R902K, R916K, R954K, R962K.
Identifiers: ClinVar variation 2723616 (VCV002723616.5), dbSNP rs2131625536, ClinGen allele CA375368598.

ClinVar aggregate classification (germline): Conflicting classifications of pathogenicity. Review status: criteria provided, conflicting classifications (1 of 4 stars). 2 submissions from 2 submitters: Uncertain significance (1); Likely benign (1). Last evaluated 2026-07-10.

Conditions:
Tuberous sclerosis 1 (TSC1). Identifiers: Orphanet 805, MedGen C1854465, MONDO:0008612, OMIM 191100.
Hereditary cancer-predisposing syndrome. Also called: Hereditary Cancer Syndrome; Hereditary neoplastic syndrome; Neoplastic Syndromes, Hereditary; Tumor predisposition. Identifiers: Orphanet 140162, MedGen C0027672, MeSH D009386, MONDO:0015356.

Submissions (2):

Ambry Genetics
Classification: Likely benign for Hereditary cancer-predisposing syndrome. Last evaluated: 2026-07-10. Review status: criteria provided, single submitter. Criteria: Ambry Variant Classification Scheme 2023. Collection method: clinical testing. Allele origin: germline.

Labcorp Genetics (formerly Invitae), Labcorp
Classification: Uncertain significance for Tuberous sclerosis 1. Last evaluated: 2024-11-30. Review status: criteria provided, single submitter. Criteria: Invitae Variant Classification Sherloc (09022015). Collection method: clinical testing. Allele origin: germline.
Comment: This sequence change replaces arginine, which is basic and polar, with lysine, which is basic and polar, at codon 968 of the TSC1 protein (p.Arg968Lys). This variant is not present in population databases (gnomAD no frequency). This variant has not been reported in the literature in individuals affected with TSC1-related conditions. ClinVar contains an entry for this variant (Variation ID: 2723616). Invitae Evidence Modeling of protein sequence and biophysical properties (such as structural, functional, and spatial information, amino acid conservation, physicochemical variation, residue mobility, and thermodynamic stability) indicates that this missense variant is not expected to disrupt TSC1 protein function with a negative predictive value of 95%. RNA analysis performed to evaluate the impact of this missense change on mRNA splicing indicates it does not significantly alter splicing (internal data). In summary, the available evidence is currently insufficient to determine the role of this variant in disease. Therefore, it has been classified as a Variant of Uncertain Significance.